The following is an entry in ClinVar:

NM_206933.4(USH2A):c.848G>T (p.Arg283Ile)

Gene: USH2A (usherin; minus strand). Cytogenetic location: 1q41.
Variant type: single nucleotide variant.
Coding change: c.848G>T on transcript NM_206933.4 (MANE Select); coding-DNA position 848, G replaced by T.
Protein change: p.Arg283Ile; replaces arginine 283 with isoleucine.
Molecular consequence: missense variant.
Genome position (GRCh38, 1-based): chr1:216,327,591, C>A on the plus strand (G>T on the coding strand, the complement: USH2A is on the minus strand). VCF-style: chr1-216327591-C-A. GRCh37 (hg19) VCF-style: chr1-216500933-C-A.
Other names: c.848G>T, p.Arg283Ile (NM_007123.6); short protein forms R283I.
Identifiers: ClinVar variation 3723409 (VCV003723409.2).

ClinVar aggregate classification (germline): Pathogenic (1 of 4 stars; one submission).

Submission:

Labcorp Genetics (formerly Invitae), Labcorp
Classification: Pathogenic. Last evaluated: 2024-10-21. Review status: criteria provided, single submitter. Criteria: Invitae Variant Classification Sherloc (09022015). Collection method: clinical testing. Allele origin: germline.
Comment: This sequence change replaces arginine, which is basic and polar, with isoleucine, which is neutral and non-polar, at codon 283 of the USH2A protein (p.Arg283Ile). This variant also falls at the last nucleotide of exon 5, which is part of the consensus splice site for this exon. This variant is not present in population databases (gnomAD no frequency). This missense change has been observed in individual(s) with clinical features of Usher syndrome (internal data). An algorithm developed to predict the effect of missense changes on protein structure and function (PolyPhen-2) suggests that this variant is likely to be disruptive. Variants that disrupt the consensus splice site are a relatively common cause of aberrant splicing (PMID: 17576681, 9536098). Algorithms developed to predict the effect of sequence changes on RNA splicing suggest that this variant may disrupt the consensus splice site. This variant disrupts the p.Arg283 amino acid residue in USH2A. Other variant(s) that disrupt this residue have been determined to be pathogenic (internal data). This suggests that this residue is clinically significant, and that variants that disrupt this residue are likely to be disease-causing. For these reasons, this variant has been classified as Pathogenic.

Literature cited by the submitters: PubMed 17576681; PubMed 9536098.